The following is an entry in ClinVar:

ClinVar aggregate classification (germline): Conflicting classifications of pathogenicity. Review status: criteria provided, conflicting classifications (1 of 4 stars). 2 submissions from 2 submitters: Uncertain significance (1); Likely benign (1). Last evaluated 2026-01-20.

Conditions:
Cardiovascular phenotype. Identifiers: MedGen CN230736.
Hereditary hemorrhagic telangiectasia (HHT). Also called: ORW DISEASE; Osler Weber Rendu syndrome; OSLER-RENDU-WEBER DISEASE; Osler hemorrhagic telangiectasia syndrome. Identifiers: Orphanet 774, MedGen C0039445, MONDO:0019180. Disease mechanism: loss of function.

gnomAD v4.1: 2 of 1,614,176 alleles (0.00012%); highest among the groups gnomAD compares: Admixed American, 0.0033%; no homozygotes.

Submissions (2):

Ambry Genetics
Classification: Uncertain significance for Cardiovascular phenotype. Last evaluated: 2026-01-20. Review status: criteria provided, single submitter. Criteria: Ambry Variant Classification Scheme 2023. Collection method: clinical testing. Allele origin: germline.
Comment: The p.D561H variant (also known as c.1681G>C), located in coding exon 12 of the ENG gene, results from a G to C substitution at nucleotide position 1681. The aspartic acid at codon 561 is replaced by histidine, an amino acid with similar properties. This amino acid position is conserved. In addition, this alteration is predicted to be tolerated by in silico analysis. Based on the available evidence, the clinical significance of this variant remains unclear.

Labcorp Genetics (formerly Invitae), Labcorp
Classification: Likely benign for Hereditary hemorrhagic telangiectasia. Last evaluated: 2024-11-17. Review status: criteria provided, single submitter. Criteria: Invitae Variant Classification Sherloc (09022015). Collection method: clinical testing. Allele origin: germline.

NM_001114753.3(ENG):c.1681G>C (p.Asp561His)

Genes: ENG (endoglin; minus strand), LOC102723566 (uncharacterized LOC102723566; plus strand). Cytogenetic location: 9q34.11.
Variant type: single nucleotide variant.
Coding change: c.1681G>C on transcript NM_001114753.3 (MANE Select); coding-DNA position 1681, G replaced by C.
Protein change: p.Asp561His; replaces aspartic acid 561 with histidine.
Molecular consequence: missense variant.
Genome position (GRCh38, 1-based): chr9:127,818,125, C>G on the plus strand (G>C on the coding strand, the complement: ENG is on the minus strand). VCF-style: chr9-127818125-C-G. GRCh37 (hg19) VCF-style: chr9-130580404-C-G.
Other names: c.1681G>C (NM_001114753.1); c.1681G>C, p.Asp561His (NM_000118.4); c.1135G>C, p.Asp379His (NM_001278138.2); short protein forms D379H, D561H.
Identifiers: ClinVar variation 3667990 (VCV003667990.3).
Genomic context (GRCh38, chr9:127,818,125, plus strand): 5'-ACCACAGACCTGGAAGCTCCCACTTGAAGCTGGGGCCGGCCCAGGCCCCACTCACCTGGT[C>G]TTGAGACCCGGTCTTGGGACGCAGGGCTACCGTGCAGCTGAGGGTGCCGGTTTTGGGTAT-3'
Protein context (NP_001108225.1, residues 551-571): VALRPKTGSQ[Asp561His]QEVHRTVFMR